The following is an entry in ClinVar:

ClinVar aggregate classification (germline): Pathogenic (1 of 4 stars; one submission).

Conditions:
Kabuki syndrome 1 (KABUK1). Also called: KMT2D-Related Kabuki Syndrome. Identifiers: Orphanet 2322, MedGen CN030661, MONDO:0007843, OMIM 147920.

Submission:

Baylor Genetics
Classification: Pathogenic for Kabuki syndrome 1. Last evaluated: 2018-10-22. Review status: criteria provided, single submitter. Criteria: ACMG Guidelines, 2015. Collection method: clinical testing. Allele origin: de novo. Affected: yes.
Comment: This variant was determined to be pathogenic according to ACMG Guidelines, 2015 [PMID:25741868].

NM_003482.4(KMT2D):c.7938del (p.Asp2647fs)

Gene: KMT2D (lysine methyltransferase 2D; minus strand). Cytogenetic location: 12q13.12.
Variant type: Deletion.
Coding change: c.7938del on transcript NM_003482.4 (MANE Select); coding-DNA position 7938, one base deleted (A; older notation c.7938delA).
Protein change: p.Asp2647fs; shifts the reading frame from aspartic acid 2647.
Molecular consequence: frameshift variant.
Genome position (GRCh38, 1-based): chr12:49,039,832, T deleted on the plus strand (A on the coding strand, the reverse complement: KMT2D is on the minus strand); the first of 2 consecutive T bases (chr12:49,039,832-49,039,833); deleting either gives the same sequence. VCF-style (leftmost placement, unchanged base first): chr12-49039831-CT-C. GRCh37 (hg19) VCF-style: chr12-49433614-CT-C.
Other names: short protein forms D2647fs.
Identifiers: ClinVar variation 1033593 (VCV001033593.1), dbSNP rs1943409769, ClinGen allele CA2034960099.